The following is an entry in ClinVar:

ClinVar aggregate classification (germline): Benign/Likely benign. Review status: criteria provided, multiple submitters, no conflicts (2 of 4 stars). 3 submissions from 3 submitters: Benign (1); Likely benign (2). Last evaluated 2025-11-19.

Conditions:
Spinocerebellar ataxia, autosomal recessive, with axonal neuropathy 2 (SCAN2). Also called: Ataxia with Oculomotor Apraxia; ATAXIA-OCULOMOTOR APRAXIA 2; Ataxia with Oculomotor Apraxia Type 2; Ataxia-ocular apraxia-2. Identifiers: Orphanet 64753, MedGen C1853761, MONDO:0018996, OMIM 606002.
Amyotrophic lateral sclerosis type 4 (ALS4). Also called: AMYOTROPHIC LATERAL SCLEROSIS 4, JUVENILE; NEURONOPATHY, DISTAL HEREDITARY MOTOR, WITH PYRAMIDAL FEATURES. Identifiers: Orphanet 357043, MedGen C1865409, MONDO:0011223, OMIM 602433.
SETX-related disorder. Also called: SETX-related disorders; SETX-related condition. Identifiers: MedGen CN239403.
Inborn genetic diseases. Identifiers: MedGen C0950123, MeSH D030342.

Allele frequency attached by ClinVar (database versions not stated): ExAC 0.00003; gnomAD exomes 0.00004 and 0.00007; gnomAD 0.00005; TOPMed 0.00006.
gnomAD v4.1: 105 of 1,613,988 alleles (0.0065%); highest among the groups gnomAD compares: Non-Finnish European, 0.0078%; 1 homozygote.

Submissions (3):

PreventionGenetics, part of Exact Sciences
Classification: Likely benign for SETX-related condition. Last evaluated: 2025-11-19. Review status: criteria provided, single submitter. Criteria: ACMG Guidelines, 2015. Collection method: clinical testing. Allele origin: germline.
Comment: This variant is classified as likely benign based on ACMG/AMP sequence variant interpretation guidelines (Richards et al. 2015 PMID: 25741868, with internal and published modifications).

Labcorp Genetics (formerly Invitae), Labcorp
Classification: Benign for Amyotrophic lateral sclerosis type 4; Spinocerebellar ataxia, autosomal recessive, with axonal neuropathy 2. Last evaluated: 2025-09-02. Review status: criteria provided, single submitter. Criteria: Invitae Variant Classification Sherloc (09022015). Collection method: clinical testing. Allele origin: germline.

Ambry Genetics
Classification: Likely benign for Inborn genetic diseases. Last evaluated: 2024-02-26. Review status: criteria provided, single submitter. Criteria: Ambry Variant Classification Scheme 2023. Collection method: clinical testing. Allele origin: germline.

NM_015046.7(SETX):c.5104G>A (p.Val1702Ile)

Gene: SETX (senataxin; minus strand). Cytogenetic location: 9q34.13.
Variant type: single nucleotide variant.
Coding change: c.5104G>A on transcript NM_015046.7 (MANE Select); coding-DNA position 5104, G replaced by A.
Protein change: p.Val1702Ile; replaces valine 1702 with isoleucine.
Molecular consequence: missense variant.
Genome position (GRCh38, 1-based): chr9:132,326,494, C>T on the plus strand (G>A on the coding strand, the complement: SETX is on the minus strand). VCF-style: chr9-132326494-C-T. GRCh37 (hg19) VCF-style: chr9-135201881-C-T.
Other names: c.5104G>A, p.Val1702Ile (NM_001351527.2, NM_001351528.2); short protein forms V1702I.
Identifiers: ClinVar variation 575379 (VCV000575379.11), dbSNP rs61745659, ClinGen allele CA5297068.